The following is an entry in ClinVar:

ClinVar aggregate classification (germline): Uncertain significance. Review status: criteria provided, multiple submitters, no conflicts (2 of 4 stars). 2 submissions from 2 submitters: Uncertain significance (2). Last evaluated 2025-07-30.

Conditions:
Long QT syndrome (LQTS). Identifiers: MedGen C0023976, MeSH D008133, MONDO:0002442. Disease mechanism: loss of function. Inheritance: Various modes of inheritance.

Submissions (2):

GeneDx
Classification: Uncertain significance. Last evaluated: 2025-07-30. Review status: criteria provided, single submitter. Criteria: GeneDx Variant Classification Process June 2021. Collection method: clinical testing. Allele origin: germline. Affected: yes.
Comment: Not observed at significant frequency in large population cohorts (gnomAD); In silico analysis supports that this missense variant has a deleterious effect on protein structure/function; Has not been previously published as pathogenic or benign to our knowledge

Labcorp Genetics (formerly Invitae), Labcorp
Classification: Uncertain significance for Long QT syndrome. Last evaluated: 2023-06-16. Review status: criteria provided, single submitter. Criteria: Invitae Variant Classification Sherloc (09022015). Collection method: clinical testing. Allele origin: germline.
Comment: In summary, the available evidence is currently insufficient to determine the role of this variant in disease. Therefore, it has been classified as a Variant of Uncertain Significance. An algorithm developed to predict the effect of missense changes on protein structure and function (PolyPhen-2) suggests that this variant is likely to be disruptive. This sequence change replaces proline, which is neutral and non-polar, with arginine, which is basic and polar, at codon 1013 of the KCNH2 protein (p.Pro1013Arg). This variant is not present in population databases (gnomAD no frequency). This variant has not been reported in the literature in individuals affected with KCNH2-related conditions. ClinVar contains an entry for this variant (Variation ID: 1513198).

NM_000238.4(KCNH2):c.3038C>G (p.Pro1013Arg)

Gene: KCNH2 (potassium voltage-gated channel subfamily H member 2; minus strand). Cytogenetic location: 7q36.1.
Variant type: single nucleotide variant.
Coding change: c.3038C>G on transcript NM_000238.4 (MANE Select); coding-DNA position 3038, C replaced by G.
Protein change: p.Pro1013Arg; replaces proline 1013 with arginine.
Molecular consequence: missense variant.
Genome position (GRCh38, 1-based): chr7:150,947,442, G>C on the plus strand (C>G on the coding strand, the complement: KCNH2 is on the minus strand). VCF-style: chr7-150947442-G-C. GRCh37 (hg19) VCF-style: chr7-150644530-G-C.
Other names: c.2018C>G, p.Pro673Arg (NM_172057.3); c.3038C>G (NM_000238.2); short protein forms P1013R, P673R.
Identifiers: ClinVar variation 1513198 (VCV001513198.7), dbSNP rs2116929940, ClinGen allele CA369852847.
Genomic context (GRCh38, chr7:150,947,442, plus strand): 5'-CGCCGACCCGGGCTGGAGAGGGGGATGTTGAGGAGGCTGGGGGTGGGGGCGGGGCATCGA[G>C]GGAGCTCCTGGTACTGGCGGCCCCGACTGTCCCCCCAGAAGCTGAAAATGTTGGACACTC-3'
Protein context (NP_000229.1, residues 1003-1023): DSRGRQYQEL[Pro1013Arg]RCPAPTPSLL